The following is an entry in ClinVar:

ClinVar aggregate classification (germline): Uncertain significance. Review status: criteria provided, multiple submitters, no conflicts (2 of 4 stars). 2 submissions from 2 submitters: Uncertain significance (2). Last evaluated 2025-01-01.

Conditions:
Cardiovascular phenotype. Identifiers: MedGen CN230736.

Submissions (2):

Labcorp Genetics (formerly Invitae), Labcorp
Classification: Uncertain significance. Last evaluated: 2025-01-01. Review status: criteria provided, single submitter. Criteria: Invitae Variant Classification Sherloc (09022015). Collection method: clinical testing. Allele origin: germline.
Comment: This sequence change replaces methionine, which is neutral and non-polar, with threonine, which is neutral and polar, at codon 97 of the TBX20 protein (p.Met97Thr). This variant is not present in population databases (gnomAD no frequency). This variant has not been reported in the literature in individuals affected with TBX20-related conditions. ClinVar contains an entry for this variant (Variation ID: 2450714). Invitae Evidence Modeling of protein sequence and biophysical properties (such as structural, functional, and spatial information, amino acid conservation, physicochemical variation, residue mobility, and thermodynamic stability) indicates that this missense variant is not expected to disrupt TBX20 protein function with a negative predictive value of 80%. In summary, the available evidence is currently insufficient to determine the role of this variant in disease. Therefore, it has been classified as a Variant of Uncertain Significance.

Ambry Genetics
Classification: Uncertain significance for Cardiovascular phenotype. Last evaluated: 2023-01-12. Review status: criteria provided, single submitter. Criteria: Ambry Variant Classification Scheme 2023. Collection method: clinical testing. Allele origin: germline.
Comment: The p.M97T variant (also known as c.290T>C), located in coding exon 2 of the TBX20 gene, results from a T to C substitution at nucleotide position 290. The methionine at codon 97 is replaced by threonine, an amino acid with similar properties. This amino acid position is highly conserved in available vertebrate species. In addition, the in silico prediction for this alteration is inconclusive. Since supporting evidence is limited at this time, the clinical significance of this alteration remains unclear.

NM_001077653.2(TBX20):c.290T>C (p.Met97Thr)

Gene: TBX20 (T-box transcription factor 20; minus strand). Cytogenetic location: 7p14.2.
Variant type: single nucleotide variant.
Coding change: c.290T>C on transcript NM_001077653.2 (MANE Select); coding-DNA position 290, T replaced by C.
Protein change: p.Met97Thr; replaces methionine 97 with threonine.
Molecular consequence: missense variant.
Genome position (GRCh38, 1-based): chr7:35,250,041, A>G on the plus strand (T>C on the coding strand, the complement: TBX20 is on the minus strand). VCF-style: chr7-35250041-A-G. GRCh37 (hg19) VCF-style: chr7-35289653-A-G.
Other names: c.290T>C, p.Met97Thr (NM_001166220.1); short protein forms M97T.
Identifiers: ClinVar variation 2450714 (VCV002450714.4), dbSNP rs2546997354, ClinGen allele CA367265086.
Genomic context (GRCh38, chr7:35,250,041, plus strand): 5'-CCCAGCTCATGGAATTTGTCCCAAAGCTCCTTGGTCTCCAGGCTGCAGGCAATTTTGGCC[A>G]TTTCCTCACTGGGGATGATGGGGGTGGTGGGGATCAGTGGCTCAGTGCACAGAGAGGAGG-3'
Protein context (NP_001071121.1, residues 87-107): PTTPIIPSEE[Met97Thr]AKIACSLETK